The following is an entry in ClinVar:

ClinVar aggregate classification (germline): Benign/Likely benign. Review status: criteria provided, multiple submitters, no conflicts (2 of 4 stars). 7 submissions from 7 submitters: Benign (2); Likely benign (2). 3 of the submissions do not count toward it. Last evaluated 2026-07-01.

Conditions:
AGRN-related disorder. Also called: AGRN-related condition.
Congenital myasthenic syndrome 8. Also called: MYASTHENIC SYNDROME, CONGENITAL, DUE TO AGRIN DEFICIENCY; Myasthenic syndrome, congenital, 8, with pre- and postsynaptic defects. Identifiers: Orphanet 590, MedGen C3808739, MONDO:0014052, OMIM 615120.

Allele frequency attached by ClinVar (database versions not stated): 1000 Genomes Project 30x 0.00062; 1000 Genomes Project 0.00100; TOPMed 0.00152; ESP Exome Variant Server 0.00231; gnomAD exomes 0.00275; gnomAD 0.00280 and 0.00297; ExAC 0.00332.
gnomAD v4.1: 3,895 of 1,609,284 alleles (0.24%); highest among the groups gnomAD compares: Non-Finnish European, 0.26%; 25 homozygotes.

Submissions (7):

CeGaT Center for Human Genetics Tuebingen
Classification: Likely benign. Last evaluated: 2026-07-01. Review status: criteria provided, single submitter. Criteria: CeGaT Center For Human Genetics Tuebingen Variant Classification Criteria Version 2. Collection method: clinical testing. Allele origin: germline. Affected: yes. Observed: 8 variant alleles.
Comment: AGRN: BS2

Labcorp Genetics (formerly Invitae), Labcorp
Classification: Benign for Congenital myasthenic syndrome 8. Last evaluated: 2026-01-29. Review status: criteria provided, single submitter. Criteria: Invitae Variant Classification Sherloc (09022015). Collection method: clinical testing. Allele origin: germline.

GeneDx
Classification: Likely benign. Last evaluated: 2018-07-31. Review status: criteria provided, single submitter. Criteria: GeneDx Variant Classification Process June 2021. Collection method: clinical testing. Allele origin: germline. Affected: yes.
Comment: See Variant Classification Assertion Criteria.

Genetic Services Laboratory, University of Chicago
Classification: Benign. Last evaluated: 2017-02-13. Review status: criteria provided, single submitter. Criteria: ACMG Guidelines, 2015. Collection method: clinical testing. Allele origin: germline. Affected: no.

PreventionGenetics, part of Exact Sciences
Classification: Likely benign for AGRN-related condition. Last evaluated: 2019-06-18. Review status: no assertion criteria provided. Collection method: clinical testing. Allele origin: germline. Not counted in ClinVar's aggregate classification.
Comment: This variant is classified as likely benign based on ACMG/AMP sequence variant interpretation guidelines (Richards et al. 2015 PMID: 25741868, with internal and published modifications).

Genome Diagnostics Laboratory, University Medical Center Utrecht
Classification: Likely benign. Review status: no assertion criteria provided. Collection method: clinical testing. Allele origin: germline. Affected: yes. Study: VKGL Data-share Consensus. Not counted in ClinVar's aggregate classification.

Laboratory of Diagnostic Genome Analysis, Leiden University Medical Center (LUMC)
Classification: Likely benign. Review status: no assertion criteria provided. Collection method: clinical testing. Allele origin: germline. Affected: yes. Study: VKGL Data-share Consensus. Not counted in ClinVar's aggregate classification.

NM_198576.4(AGRN):c.1993G>A (p.Glu665Lys)

Gene: AGRN (agrin; plus strand). Cytogenetic location: 1p36.33.
Variant type: single nucleotide variant.
Coding change: c.1993G>A on transcript NM_198576.4 (MANE Select); coding-DNA position 1993, G replaced by A.
Protein change: p.Glu665Lys; replaces glutamic acid 665 with lysine.
Molecular consequence: missense variant.
Genome position (GRCh38, 1-based): chr1:1,044,017, G>A. VCF-style: chr1-1044017-G-A. GRCh37 (hg19) VCF-style: chr1-979397-G-A.
Other names: c.1993G>A (LRG_198t1); c.1993G>A, p.Glu665Lys (NM_001305275.2); c.1678G>A, p.Glu560Lys (NM_001364727.2); short protein forms E665K, E560K.
Identifiers: ClinVar variation 210106 (VCV000210106.62), dbSNP rs143324306, ClinGen allele CA205668.
Genomic context (GRCh38, chr1:1,044,017, plus strand): 5'-CTACGGGAAGCCGCCTGCCTCCAGCAGACACAGATCGAGGAGGCCCGGGCAGGGCCGTGC[G>A]AGCAGGGTAGGCCGGGGGACGCTGGCGAAAACTGCTGGGCTCTGGCTTTGGACAAGAAGC-3'
Protein context (NP_940978.2, residues 655-675): QIEEARAGPC[Glu665Lys]QAECGSGGSG